The following is an entry in ClinVar:

ClinVar aggregate classification (germline): Uncertain significance (1 of 4 stars; one submission).

Submission:

GeneDx
Classification: Uncertain significance. Last evaluated: 2024-05-31. Review status: criteria provided, single submitter. Criteria: GeneDx Variant Classification Process June 2021. Collection method: clinical testing. Allele origin: germline. Affected: yes.
Comment: Not observed at significant frequency in large population cohorts (gnomAD); In silico analysis supports that this missense variant has a deleterious effect on protein structure/function; Has not been previously published as pathogenic or benign to our knowledge

NM_001379403.1(WDR26):c.1841T>C (p.Phe614Ser)

Gene: WDR26 (WD repeat domain 26; minus strand). Cytogenetic location: 1q42.11.
Variant type: single nucleotide variant.
Coding change: c.1841T>C on transcript NM_001379403.1 (MANE Select); coding-DNA position 1841, T replaced by C.
Protein change: p.Phe614Ser; replaces phenylalanine 614 with serine.
Molecular consequence: missense variant.
Genome position (GRCh38, 1-based): chr1:224,398,913, A>G on the plus strand (T>C on the coding strand, the complement: WDR26 is on the minus strand). VCF-style: chr1-224398913-A-G. GRCh37 (hg19) VCF-style: chr1-224586615-A-G.
Other names: c.1493T>C, p.Phe498Ser (NM_001115113.3); c.1541T>C, p.Phe514Ser (NM_025160.7); short protein forms F498S, F514S, F614S.
Identifiers: ClinVar variation 3384547 (VCV003384547.1).